The following is an entry in ClinVar:

NM_001267550.2(TTN):c.103061del (p.Pro34354fs)

Genes: TTN-AS1 (TTN antisense RNA 1; plus strand), TTN (titin; minus strand). Cytogenetic location: 2q31.2.
Variant type: Deletion.
Coding change: c.103061del on transcript NM_001267550.2 (MANE Select); coding-DNA position 103061, one base deleted (C; older notation c.103061delC).
Protein change: p.Pro34354fs; shifts the reading frame from proline 34354.
Molecular consequence: frameshift variant.
Genome position (GRCh38, 1-based): chr2:178,533,554, G deleted on the plus strand (C on the coding strand, the reverse complement: TTN is on the minus strand); the first of 3 consecutive G bases (chr2:178,533,554-178,533,556); deleting any one gives the same sequence. VCF-style (leftmost placement, unchanged base first): chr2-178533553-TG-T. GRCh37 (hg19) VCF-style: chr2-179398280-TG-T.
Other names: c.98138del, p.Pro32713fs (NM_001256850.1); c.75866del, p.Pro25289fs (NM_003319.4); c.95357del, p.Pro31786fs (NM_133378.4); c.76241del, p.Pro25414fs (NM_133432.3); c.76442del, p.Pro25481fs (NM_133437.4); short protein forms P25289fs, P25414fs, P31786fs, P34354fs, P25481fs, P32713fs.
Identifiers: ClinVar variation 941885 (VCV000941885.11), dbSNP rs1690111134, ClinGen allele CA1039709246.

ClinVar aggregate classification (germline): Likely pathogenic. Review status: criteria provided, multiple submitters, no conflicts (2 of 4 stars). 2 submissions from 2 submitters: Likely pathogenic (2). Last evaluated 2025-05-04.

Conditions:
Dilated cardiomyopathy 1G (CMD1G). Identifiers: Orphanet 154, MedGen C1858763, MONDO:0011400, OMIM 604145.
Autosomal recessive limb-girdle muscular dystrophy type 2J (LGMDR10). Also called: Limb-girdle muscular dystrophy, type 2J; MUSCULAR DYSTROPHY, LIMB-GIRDLE, AUTOSOMAL RECESSIVE 10. Identifiers: Orphanet 140922, MedGen C1837342, MONDO:0012127, OMIM 608807.

Submissions (2):

Labcorp Genetics (formerly Invitae), Labcorp
Classification: Likely pathogenic for Dilated cardiomyopathy 1G; Autosomal recessive limb-girdle muscular dystrophy type 2J. Last evaluated: 2025-05-04. Review status: criteria provided, single submitter. Criteria: Invitae Variant Classification Sherloc (09022015). Collection method: clinical testing. Allele origin: germline.
Comment: This sequence change creates a premature translational stop signal (p.Pro34354Hisfs*8) in the TTN gene. While this is not anticipated to result in nonsense mediated decay, it is expected to create a truncated TTN protein. This variant is not present in population databases (gnomAD no frequency). This variant has not been reported in the literature in individuals affected with TTN-related conditions. ClinVar contains an entry for this variant (Variation ID: 941885). This variant is located in the M band of TTN (PMID: 25589632). Truncating variants in this region have been previously reported in individuals affected with autosomal dominant or autosomal recessive myopathy and muscular dystrophy (PMID: 18948003, 23975875, 24395473). Truncating variants in this region have also been identified in individuals affected with autosomal dominant dilated cardiomyopathy and/or cardio-related conditions (PMID: 27869827, 32964742, internal data). In summary, the currently available evidence indicates that the variant is pathogenic, but additional data are needed to prove that conclusively. Therefore, this variant has been classified as Likely Pathogenic.

Revvity Omics, Revvity
Classification: Likely pathogenic. Last evaluated: 2021-06-16. Review status: criteria provided, single submitter. Criteria: ACMG Guidelines, 2015. Collection method: clinical testing. Allele origin: germline.

Literature cited by the submitters: PubMed 25589632 (cited by Labcorp Genetics (formerly Invitae), Labcorp); PubMed 18948003 (cited by Labcorp Genetics (formerly Invitae), Labcorp); PubMed 23975875 (cited by Labcorp Genetics (formerly Invitae), Labcorp); PubMed 24395473 (cited by Labcorp Genetics (formerly Invitae), Labcorp); PubMed 27869827 (cited by Labcorp Genetics (formerly Invitae), Labcorp); PubMed 32964742 (cited by Labcorp Genetics (formerly Invitae), Labcorp).